The following is an entry in ClinVar:

NM_004998.4(MYO1E):c.2612T>C (p.Leu871Pro)

Gene: MYO1E (myosin IE; minus strand). Cytogenetic location: 15q22.2.
Variant type: single nucleotide variant.
Coding change: c.2612T>C on transcript NM_004998.4 (MANE Select); coding-DNA position 2612, T replaced by C.
Protein change: p.Leu871Pro; replaces leucine 871 with proline.
Molecular consequence: missense variant.
Genome position (GRCh38, 1-based): chr15:59,163,172, A>G on the plus strand (T>C on the coding strand, the complement: MYO1E is on the minus strand). VCF-style: chr15-59163172-A-G. GRCh37 (hg19) VCF-style: chr15-59455371-A-G.
Other names: short protein forms L871P.
Identifiers: ClinVar variation 981936 (VCV000981936.2), dbSNP rs2079547372, ClinGen allele CA392636372.
Genomic context (GRCh38, chr15:59,163,172, plus strand): 5'-CTTTTTAGCTACACGCAGAAGTCTGGGTCCCAGATCCGGACTTACGTATTGCTGAATTTC[A>G]GAGGTAGTTGCTTCTGGGTCTTCTCCTCGTAACGCTTTGCTAAGAGGCTTAGGAATTCAG-3'
Protein context (NP_004989.2, residues 861-881): YEEKTQKQLP[Leu871Pro]KFSNTLELKL

ClinVar aggregate classification (germline): drug response (0 of 4 stars; one submission).

Conditions:
Corticosteroids response. Also called: Corticosteroid response.

Submission:

Genetic Testing Lab, Ashok and Rita Patel Institute of Integrated Study and Research in Biotechnology and Allied Sciences
Classification: drug response for Corticosteroid response. Last evaluated: 2020-01-12. Review status: no assertion criteria provided. Collection method: research. Allele origin: somatic. Affected: yes. Observed: 37 variant alleles.
Comment: Depending upon response to standard corticosteroid therapy, patients were classified to be either Steroid resistant (SRNS) or steroid sensitive (SSNS). Patients in remission within 4 weeks of corticosteroid therapy were classified as steroid sensitive nephrotic syndrome (SSNS). Patients not in remission within 4 weeks of corticosteroid therapy were classified as Steroid resistant nephrotic syndrome (SRNS).